The following is an entry in ClinVar:

NM_015559.3(SETBP1):c.4531G>A (p.Ala1511Thr)

Gene: SETBP1 (SET binding protein 1; plus strand). Cytogenetic location: 18q12.3.
Variant type: single nucleotide variant.
Coding change: c.4531G>A on transcript NM_015559.3 (MANE Select); coding-DNA position 4531, G replaced by A.
Protein change: p.Ala1511Thr; replaces alanine 1511 with threonine.
Molecular consequence: missense variant.
Genome position (GRCh38, 1-based): chr18:45,063,438, G>A. VCF-style: chr18-45063438-G-A. GRCh37 (hg19) VCF-style: chr18-42643403-G-A.
Other names: c.4531G>A, p.Ala1511Thr (NM_001379141.1, NM_001379142.1); c.4360G>A, p.Ala1454Thr (NM_001410862.1); short protein forms A1454T, A1511T.
Identifiers: ClinVar variation 2826095 (VCV002826095.3), dbSNP rs2511369518, ClinGen allele CA402483619.
Genomic context (GRCh38, chr18:45,063,438, plus strand): 5'-CTGAGCCCGCTGGTGCTGGAGCCCGCCGCCAGCCAAGACACCATCATGGCCACCATCGAG[G>A]CGGTCATCCACATGGCCCGGGAGGCGCCGCCCCTGCCCCCGCCACCGCCGCCGCCCCTGC-3'
Protein context (NP_056374.2, residues 1501-1521): SQDTIMATIE[Ala1511Thr]VIHMAREAPP

ClinVar aggregate classification (germline): Uncertain significance (1 of 4 stars; one submission).

Allele frequency attached by ClinVar (database versions not stated): gnomAD exomes below 0.00001.
gnomAD v4.1: 2 of 1,500,330 alleles (0.00013%); highest among the groups gnomAD compares: Non-Finnish European, 0.00018%; no homozygotes.

Submission:

Labcorp Genetics (formerly Invitae), Labcorp
Classification: Uncertain significance. Last evaluated: 2023-01-15. Review status: criteria provided, single submitter. Criteria: Invitae Variant Classification Sherloc (09022015). Collection method: clinical testing. Allele origin: germline.
Comment: In summary, the available evidence is currently insufficient to determine the role of this variant in disease. Therefore, it has been classified as a Variant of Uncertain Significance. Advanced modeling of protein sequence and biophysical properties (such as structural, functional, and spatial information, amino acid conservation, physicochemical variation, residue mobility, and thermodynamic stability) performed at Invitae indicates that this missense variant is not expected to disrupt SETBP1 protein function. This variant has not been reported in the literature in individuals affected with SETBP1-related conditions. This variant is not present in population databases (gnomAD no frequency). This sequence change replaces alanine, which is neutral and non-polar, with threonine, which is neutral and polar, at codon 1511 of the SETBP1 protein (p.Ala1511Thr).